The following is an entry in ClinVar:

NM_005142.3(CBLIF):c.1087A>G (p.Met363Val)

Gene: CBLIF (cobalamin binding intrinsic factor; minus strand). Cytogenetic location: 11q12.1.
Variant type: single nucleotide variant.
Coding change: c.1087A>G on transcript NM_005142.3 (MANE Select); coding-DNA position 1087, A replaced by G.
Protein change: p.Met363Val; replaces methionine 363 with valine.
Molecular consequence: missense variant.
Genome position (GRCh38, 1-based): chr11:59,831,783, T>C on the plus strand (A>G on the coding strand, the complement: CBLIF is on the minus strand). VCF-style: chr11-59831783-T-C. GRCh37 (hg19) VCF-style: chr11-59599256-T-C.
Other names: c.1087A>G (NM_005142.2); short protein forms M363V.
Identifiers: ClinVar variation 2048139 (VCV002048139.5), dbSNP rs760298108, ClinGen allele CA6021387.

ClinVar aggregate classification (germline): Uncertain significance. Review status: criteria provided, multiple submitters, no conflicts (2 of 4 stars). 2 submissions from 2 submitters: Uncertain significance (2). Last evaluated 2022-10-19.

Conditions:
Hereditary intrinsic factor deficiency (IFD). Also called: PERNICIOUS ANEMIA, CONGENITAL, DUE TO DEFECT OF INTRINSIC FACTOR; Congenital intrinsic factor deficiency. Identifiers: Orphanet 332, MedGen C2062370, MONDO:0009852, OMIM 261000.

Allele frequency attached by ClinVar (database versions not stated): gnomAD 0.00002; gnomAD exomes 0.00002; ExAC 0.00003.
gnomAD v4.1: 32 of 1,585,668 alleles (0.002%); highest among the groups gnomAD compares: Admixed American, 0.0083%; no homozygotes.

Submissions (2):

Labcorp Genetics (formerly Invitae), Labcorp
Classification: Uncertain significance for Hereditary intrinsic factor deficiency. Last evaluated: 2022-10-19. Review status: criteria provided, single submitter. Criteria: Invitae Variant Classification Sherloc (09022015). Collection method: clinical testing. Allele origin: germline.
Comment: This sequence change replaces methionine, which is neutral and non-polar, with valine, which is neutral and non-polar, at codon 363 of the GIF protein (p.Met363Val). This variant is present in population databases (rs760298108, gnomAD 0.01%). This variant has not been reported in the literature in individuals affected with GIF-related conditions. Advanced modeling of protein sequence and biophysical properties (such as structural, functional, and spatial information, amino acid conservation, physicochemical variation, residue mobility, and thermodynamic stability) performed at Invitae indicates that this missense variant is expected to disrupt GIF protein function. In summary, the available evidence is currently insufficient to determine the role of this variant in disease. Therefore, it has been classified as a Variant of Uncertain Significance.

Ambry Genetics
Classification: Uncertain significance. Last evaluated: 2022-04-22. Review status: criteria provided, single submitter. Criteria: Ambry Variant Classification Scheme 2023. Collection method: clinical testing. Allele origin: germline.